The following is an entry in ClinVar:

NC_000011.10:g.(?_17735983)_(17781754_?)dup

Gene: KCNC1 (potassium voltage-gated channel subfamily C member 1; plus strand). Cytogenetic location: 11p15.1.
Variant type: Duplication.
Identifiers: ClinVar variation 832039 (VCV000832039.1).

ClinVar aggregate classification (germline): Uncertain significance (1 of 4 stars; one submission).

Conditions:
Progressive myoclonic epilepsy type 7. Identifiers: Orphanet 435438, MedGen C4015420, MONDO:0014521, OMIM 616187.

Submission:

Labcorp Genetics (formerly Invitae), Labcorp
Classification: Uncertain significance for Epilepsy, progressive myoclonic 7. Last evaluated: 2019-01-31. Review status: criteria provided, single submitter. Criteria: Invitae Variant Classification Sherloc (09022015). Collection method: clinical testing. Allele origin: germline.
Comment: This variant results in a copy number gain of the genomic region encompassing the full coding sequence of the KCNC1 gene. The boundaries of this event are unknown as they extend beyond the assayed region for this gene and therefore may encompass additional genes. As the precise location of this event is unknown, it may be in tandem or it may be located elsewhere in the genome. This variant has not been reported in the literature in individuals with KCNC1-related conditions. In summary, the available evidence is currently insufficient to determine the role of this variant in disease. Therefore, it has been classified as a Variant of Uncertain Significance.